The following is an entry in ClinVar:

ClinVar aggregate classification (germline): Uncertain significance (0 of 4 stars; one submission).

Conditions:
PLXNA1-related disorder. Also called: PLXNA1-related condition.

gnomAD v4.1: 9 of 1,612,954 alleles (0.00056%); highest among the groups gnomAD compares: Non-Finnish European, 0.00068%; no homozygotes.

Submission:

PreventionGenetics, part of Exact Sciences
Classification: Uncertain significance for PLXNA1-related condition. Last evaluated: 2024-06-28. Review status: no assertion criteria provided. Collection method: clinical testing. Allele origin: germline.
Comment: The PLXNA1 c.3781G>T variant is predicted to result in the amino acid substitution p.Val1261Leu. To our knowledge, this variant has not been reported in the literature. This variant is reported in 0.0018% of alleles in individuals of European (Non-Finnish) descent in gnomAD. At this time, the clinical significance of this variant is uncertain due to the absence of conclusive functional and genetic evidence.

NM_032242.4(PLXNA1):c.3781G>T (p.Val1261Leu)

Gene: PLXNA1 (plexin A1; plus strand). Cytogenetic location: 3q21.3.
Variant type: single nucleotide variant.
Coding change: c.3781G>T on transcript NM_032242.4 (MANE Select); coding-DNA position 3781, G replaced by T.
Protein change: p.Val1261Leu; replaces valine 1261 with leucine.
Molecular consequence: missense variant.
Genome position (GRCh38, 1-based): chr3:127,018,414, G>T. VCF-style: chr3-127018414-G-T. GRCh37 (hg19) VCF-style: chr3-126737257-G-T.
Other names: short protein forms V1261L.
Identifiers: ClinVar variation 3347053 (VCV003347053.1).